The following is an entry in ClinVar:

ClinVar aggregate classification (germline): Uncertain significance (1 of 4 stars; one submission).

Conditions:
Dyskeratosis congenita, autosomal recessive 6 (DKCB6). Identifiers: MedGen C4225356, MONDO:0014600, OMIM 616353.
Pulmonary fibrosis and/or bone marrow failure, Telomere-related, 4. Also called: PULMONARY FIBROSIS AND/OR BONE MARROW FAILURE SYNDROME, TELOMERE-RELATED, 4. Identifiers: Orphanet 2032, MedGen C4225347, MONDO:0014612, OMIM 616371.

Allele frequency attached by ClinVar (database versions not stated): gnomAD exomes below 0.00001 and 0.00001; gnomAD 0.00001; TOPMed 0.00002.
gnomAD v4.1: 14 of 1,598,710 alleles (0.00088%); highest among the groups gnomAD compares: Non-Finnish European, 0.0012%; no homozygotes.

Submission:

Labcorp Genetics (formerly Invitae), Labcorp
Classification: Uncertain significance for Dyskeratosis congenita, autosomal recessive 6; Pulmonary fibrosis and/or bone marrow failure, Telomere-related, 4. Last evaluated: 2022-09-23. Review status: criteria provided, single submitter. Criteria: Invitae Variant Classification Sherloc (09022015). Collection method: clinical testing. Allele origin: germline.
Comment: This sequence change replaces aspartic acid, which is acidic and polar, with asparagine, which is neutral and polar, at codon 245 of the PARN protein (p.Asp245Asn). This variant is present in population databases (no rsID available, gnomAD 0.001%). This variant has not been reported in the literature in individuals affected with PARN-related conditions. ClinVar contains an entry for this variant (Variation ID: 1416327). Advanced modeling of protein sequence and biophysical properties (such as structural, functional, and spatial information, amino acid conservation, physicochemical variation, residue mobility, and thermodynamic stability) performed at Invitae indicates that this missense variant is not expected to disrupt PARN protein function. Algorithms developed to predict the effect of sequence changes on RNA splicing suggest that this variant may create or strengthen a splice site. In summary, the available evidence is currently insufficient to determine the role of this variant in disease. Therefore, it has been classified as a Variant of Uncertain Significance.

NM_002582.4(PARN):c.733G>A (p.Asp245Asn)

Gene: PARN (poly(A)-specific ribonuclease; minus strand). Cytogenetic location: 16p13.12.
Variant type: single nucleotide variant.
Coding change: c.733G>A on transcript NM_002582.4 (MANE Select); coding-DNA position 733, G replaced by A.
Protein change: p.Asp245Asn; replaces aspartic acid 245 with asparagine.
Molecular consequence: missense variant.
Genome position (GRCh38, 1-based): chr16:14,604,196, C>T on the plus strand (G>A on the coding strand, the complement: PARN is on the minus strand). VCF-style: chr16-14604196-C-T. GRCh37 (hg19) VCF-style: chr16-14698053-C-T.
Other names: c.550G>A, p.Asp184Asn (NM_001134477.3); c.595G>A, p.Asp199Asn (NM_001242992.2); short protein forms D245N, D184N, D199N.
Identifiers: ClinVar variation 1416327 (VCV001416327.8), dbSNP rs1375796074, ClinGen allele CA394807765.
Genomic context (GRCh38, chr16:14,604,196, plus strand): 5'-GCCCAATTACCTGTTCTTTGGCATGTTTCTGCTGCTCTCTTCTTTTGCGTTCTTCTTCAT[C>T]TACTTTGCTGATAACTATATATCGCTCCTTCTAAAAGACATAAAGCAGATATACAATTTT-3'
Protein context (NP_002573.1, residues 235-255): KERYIVISKV[Asp245Asn]EEERKRREQQ